The following is an entry in ClinVar:

ClinVar aggregate classification (germline): Likely benign (0 of 4 stars; one submission).

Conditions:
TAF1-related disorder. Also called: TAF1-related condition.

gnomAD v4.1: 28 of 1,209,540 alleles (0.0023%); highest among the groups gnomAD compares: Non-Finnish European, 0.003%; no homozygotes.

Submission:

PreventionGenetics, part of Exact Sciences
Classification: Likely benign for TAF1-related condition. Last evaluated: 2019-03-06. Review status: no assertion criteria provided. Collection method: clinical testing. Allele origin: germline.
Comment: This variant is classified as likely benign based on ACMG/AMP sequence variant interpretation guidelines (Richards et al. 2015 PMID: 25741868, with internal and published modifications).

NM_004606.5(TAF1):c.339C>T (p.Pro113=)

Gene: TAF1 (TATA-box binding protein associated factor 1; plus strand). Cytogenetic location: Xq13.1.
Variant type: single nucleotide variant.
Coding change: c.339C>T on transcript NM_004606.5 (MANE Select); coding-DNA position 339, C replaced by T.
Protein change: p.Pro113=; no amino-acid change (proline 113 retained).
Molecular consequence: synonymous variant. On other transcripts: non-coding transcript variant (9).
Genome position (GRCh38, 1-based): chrX:71,368,157, C>T. VCF-style: chrX-71368157-C-T. GRCh37 (hg19) VCF-style: chrX-70588007-C-T.
Other names: c.339C>T, p.Pro113= (NM_001286074.2, NM_138923.4).
Identifiers: ClinVar variation 3352844 (VCV003352844.1).
Genomic context (GRCh38, chrX:71,368,157, plus strand): 5'-CAATGAGGTGGCAGAAGATGAAAGCCGAAGATACCAGCAGACGATGGGGAGCTTGCAGCC[C>T]CTTTGCCACTCAGGTGATTCTTTGGTGTATTGGCTTGAACATTCCAGTGCATTATCCTGC-3'
Protein context (NP_004597.3, residues 103-123): RYQQTMGSLQ[Pro113=]LCHSDYDEDD